The following is an entry in ClinVar:

ClinVar aggregate classification (germline): Conflicting classifications of pathogenicity. Review status: criteria provided, conflicting classifications (1 of 4 stars). 2 submissions from 2 submitters: Uncertain significance (1); Likely benign (1). Last evaluated 2025-11-20.

Conditions:
Cardiovascular phenotype. Identifiers: MedGen CN230736.
Long QT syndrome (LQTS). Identifiers: MedGen C0023976, MeSH D008133, MONDO:0002442. Disease mechanism: loss of function. Inheritance: Various modes of inheritance.

Allele frequency attached by ClinVar (database versions not stated): ExAC 0.00001; TOPMed 0.00001.

Submissions (2):

Labcorp Genetics (formerly Invitae), Labcorp
Classification: Uncertain significance for Long QT syndrome. Last evaluated: 2025-11-20. Review status: criteria provided, single submitter. Criteria: Invitae Variant Classification Sherloc (09022015). Collection method: clinical testing. Allele origin: germline.
Comment: This sequence change replaces alanine, which is neutral and non-polar, with valine, which is neutral and non-polar, at codon 2986 of the AKAP9 protein (p.Ala2986Val). This variant is present in population databases (rs763275190, gnomAD 0.007%). This variant has not been reported in the literature in individuals affected with AKAP9-related conditions. ClinVar contains an entry for this variant (Variation ID: 648434). An algorithm developed to predict the effect of missense changes on protein structure and function (PolyPhen-2) suggests that this variant is likely to be disruptive. In summary, the available evidence is currently insufficient to determine the role of this variant in disease. Therefore, it has been classified as a Variant of Uncertain Significance.

Ambry Genetics
Classification: Likely benign for Cardiovascular phenotype. Last evaluated: 2024-09-14. Review status: criteria provided, single submitter. Criteria: Ambry Variant Classification Scheme 2023. Collection method: clinical testing. Allele origin: germline.

NM_005751.5(AKAP9):c.8957C>T (p.Ala2986Val)

Gene: AKAP9 (A-kinase anchoring protein 9; plus strand). Cytogenetic location: 7q21.2.
Variant type: single nucleotide variant.
Coding change: c.8957C>T on transcript NM_005751.5 (MANE Select); coding-DNA position 8957, C replaced by T.
Protein change: p.Ala2986Val; replaces alanine 2986 with valine.
Molecular consequence: missense variant.
Genome position (GRCh38, 1-based): chr7:92,085,619, C>T. VCF-style: chr7-92085619-C-T. GRCh37 (hg19) VCF-style: chr7-91714933-C-T.
Other names: c.3602C>T, p.Ala1201Val (NM_001379277.1); c.8933C>T, p.Ala2978Val (NM_147185.3); short protein forms A2978V, A2986V, A1201V.
Identifiers: ClinVar variation 648434 (VCV000648434.9), dbSNP rs763275190, ClinGen allele CA4337620.